The following is an entry in ClinVar:

NM_022042.4(SLC26A1):c.1855C>A (p.Leu619Met)

Genes: IDUA (alpha-L-iduronidase; plus strand), SLC26A1 (solute carrier family 26 member 1; minus strand). Cytogenetic location: 4p16.3.
Variant type: single nucleotide variant.
Coding change: c.1855C>A on transcript NM_022042.4 (MANE Select); coding-DNA position 1855, C replaced by A.
Protein change: p.Leu619Met; replaces leucine 619 with methionine.
Molecular consequence: missense variant. On other transcripts: intron variant (2).
Genome position (GRCh38, 1-based): chr4:989,084, G>T on the plus strand (C>A on the coding strand, the complement: SLC26A1 is on the minus strand). VCF-style: chr4-989084-G-T. GRCh37 (hg19) VCF-style: chr4-982872-G-T.
Other names: c.1855C>A, p.Leu619Met (NM_213613.4); c.576+2044C>A (NM_134425.4); c.299+1135G>T (NM_000203.5); short protein forms L619M.
Identifiers: ClinVar variation 2998225 (VCV002998225.3), dbSNP rs1713989829, ClinGen allele CA355949057.

ClinVar aggregate classification (germline): Uncertain significance (1 of 4 stars; one submission).

Allele frequency attached by ClinVar (database versions not stated): TOPMed 0.00001.
gnomAD v4.1: 2 of 1,597,124 alleles (0.00013%); no homozygotes.

Submission:

Labcorp Genetics (formerly Invitae), Labcorp
Classification: Uncertain significance. Last evaluated: 2024-01-26. Review status: criteria provided, single submitter. Criteria: Invitae Variant Classification Sherloc (09022015). Collection method: clinical testing. Allele origin: germline.
Comment: This sequence change replaces leucine, which is neutral and non-polar, with methionine, which is neutral and non-polar, at codon 619 of the SLC26A1 protein (p.Leu619Met). This variant is not present in population databases (gnomAD no frequency). This variant has not been reported in the literature in individuals affected with SLC26A1-related conditions. Advanced modeling of protein sequence and biophysical properties (such as structural, functional, and spatial information, amino acid conservation, physicochemical variation, residue mobility, and thermodynamic stability) performed at Invitae indicates that this missense variant is not expected to disrupt SLC26A1 protein function with a negative predictive value of 80%. In summary, the available evidence is currently insufficient to determine the role of this variant in disease. Therefore, it has been classified as a Variant of Uncertain Significance.